The following is an entry in ClinVar:

NM_001297595.2(SIN3B):c.1120G>A (p.Ala374Thr)

Gene: SIN3B (SIN3 transcription regulator family member B; plus strand). Cytogenetic location: 19p13.11.
Variant type: single nucleotide variant.
Coding change: c.1120G>A on transcript NM_001297595.2 (MANE Select); coding-DNA position 1120, G replaced by A.
Protein change: p.Ala374Thr; replaces alanine 374 with threonine.
Molecular consequence: missense variant.
Genome position (GRCh38, 1-based): chr19:16,862,413, G>A. VCF-style: chr19-16862413-G-A. GRCh37 (hg19) VCF-style: chr19-16973224-G-A.
Other names: c.1120G>A, p.Ala374Thr (NM_015260.4); short protein forms A374T.
Identifiers: ClinVar variation 3044602 (VCV003044602.10), dbSNP rs149533205, ClinGen allele CA9283060.

ClinVar aggregate classification (germline): Likely benign. Review status: criteria provided, single submitter (1 of 4 stars). 2 submissions from 2 submitters: Likely benign (1). 1 of the submissions does not count toward it. Last evaluated 2025-08-01.

Conditions:
SIN3B-related disorder. Also called: SIN3B-related condition.

Allele frequency attached by ClinVar (database versions not stated): gnomAD 0.00028; 1000 Genomes Project 30x 0.00031; ESP Exome Variant Server 0.00031; gnomAD exomes 0.00024; ExAC 0.00035; 1000 Genomes Project 0.00040; TOPMed 0.00026.
gnomAD v4.1: 410 of 1,614,152 alleles (0.025%); highest among the groups gnomAD compares: African/African-American, 0.02%; no homozygotes.

Submissions (2):

CeGaT Center for Human Genetics Tuebingen
Classification: Likely benign. Last evaluated: 2025-08-01. Review status: criteria provided, single submitter. Criteria: CeGaT Center For Human Genetics Tuebingen Variant Classification Criteria Version 2. Collection method: clinical testing. Allele origin: germline. Affected: yes. Observed: 1 variant allele.
Comment: SIN3B: BP4, BS1

PreventionGenetics, part of Exact Sciences
Classification: Likely benign for SIN3B-related condition. Last evaluated: 2019-05-24. Review status: no assertion criteria provided. Collection method: clinical testing. Allele origin: germline. Not counted in ClinVar's aggregate classification.
Comment: This variant is classified as likely benign based on ACMG/AMP sequence variant interpretation guidelines (Richards et al. 2015 PMID: 25741868, with internal and published modifications).